The following is an entry in ClinVar:

NM_005876.5(SPEG):c.*3G>A

Genes: ASIC4-AS1 (ASIC4 antisense RNA 1; minus strand), SPEG (striated muscle enriched protein kinase; plus strand). Cytogenetic location: 2q35.
Variant type: single nucleotide variant.
Coding change: c.*3G>A on transcript NM_005876.5 (MANE Select); 3 bases downstream of the stop codon, G replaced by A.
Molecular consequence: 3 prime UTR variant.
Genome position (GRCh38, 1-based): chr2:219,492,789, G>A. VCF-style: chr2-219492789-G-A. GRCh37 (hg19) VCF-style: chr2-220357511-G-A.
Identifiers: ClinVar variation 3032424 (VCV003032424.2), dbSNP rs1038140482, ClinGen allele CA66002405.
Genomic context (GRCh38, chr2:219,492,789, plus strand): 5'-GGCTGAGGCTGCCACCCGCCACAAGGTGCTGCTGCGCTCCTACCCTGGCGGCCCCTAGAG[G>A]CACGGACCACAGCCAGGCCTCGGGCTTCAACTGGGGTTCCCACCAATGCCACGGGACATT-3'

ClinVar aggregate classification (germline): Likely benign (0 of 4 stars; one submission).

Conditions:
SPEG-related disorder. Also called: SPEG-related condition.

Submission:

PreventionGenetics, part of Exact Sciences
Classification: Likely benign for SPEG-related condition. Last evaluated: 2020-09-02. Review status: no assertion criteria provided. Collection method: clinical testing. Allele origin: germline.
Comment: This variant is classified as likely benign based on ACMG/AMP sequence variant interpretation guidelines (Richards et al. 2015 PMID: 25741868, with internal and published modifications).